The following is an entry in ClinVar:

NM_001252102.2(KIF21B):c.1061T>C (p.Phe354Ser)

Gene: KIF21B (kinesin family member 21B; minus strand). Cytogenetic location: 1q32.1.
Variant type: single nucleotide variant.
Coding change: c.1061T>C on transcript NM_001252102.2 (MANE Select); coding-DNA position 1061, T replaced by C.
Protein change: p.Phe354Ser; replaces phenylalanine 354 with serine.
Molecular consequence: missense variant.
Genome position (GRCh38, 1-based): chr1:201,003,737, A>G on the plus strand (T>C on the coding strand, the complement: KIF21B is on the minus strand). VCF-style: chr1-201003737-A-G. GRCh37 (hg19) VCF-style: chr1-200972865-A-G.
Other names: NM_017596.4:c.1061T>C; c.1061T>C, p.Phe354Ser (NM_001252100.2, NM_001252103.2, NM_017596.4); short protein forms F354S.
Identifiers: ClinVar variation 3061811 (VCV003061811.1), dbSNP rs2465222033, ClinGen allele CA344109738.

ClinVar aggregate classification (germline): Uncertain significance (1 of 4 stars; one submission).

Conditions:
Neurodevelopmental disorder. Identifiers: MedGen C1535926, MeSH D065886, MONDO:0700092.

Submission:

Broad Center for Mendelian Genomics, Broad Institute of MIT and Harvard
Classification: Uncertain significance for Neurodevelopmental disorder. Last evaluated: 2024-03-12. Review status: criteria provided, single submitter. Criteria: ACMG Guidelines, 2015. Collection method: curation. Allele origin: germline. Inheritance: Autosomal dominant inheritance.
Comment: We believe this is a possible phenotype expansion for KIF2B-related neurodevelopmental disorders. The p.Phe354Ser variant in KIF21B has not been previously reported in individuals with neurodevelopmental disease. This variant was absent from large population studies. The p.Phe354Ser variant is located in a region of KIF21B that is essential to protein folding and stability, suggesting that this variant is in a functional domain and slightly supports pathogenicity (PMID: 32415109). Computational prediction tools and conservation analyses suggest that this variant may impact the protein, though this information is not predictive enough to determine pathogenicity. In summary, the clinical significance of the p.Phe354Ser variant is uncertain. ACMG/AMP Criteria applied: PM1_Supporting, PM2_Supporting, PP3 (Richards 2015).

Literature cited by the submitters: PubMed 39033378.